The following is an entry in ClinVar:

ClinVar aggregate classification (germline): Conflicting classifications of pathogenicity. Review status: criteria provided, conflicting classifications (1 of 4 stars). 10 submissions from 10 submitters: Uncertain significance (9); Likely benign (1). Last evaluated 2026-06-16.

Conditions:
TTN-related disorder. Also called: TTN-related condition; TTN-related disease; TTN-related disorders.
Dilated cardiomyopathy 1G (CMD1G). Identifiers: Orphanet 154, MedGen C1858763, MONDO:0011400, OMIM 604145.
Autosomal recessive limb-girdle muscular dystrophy type 2J (LGMDR10). Also called: Limb-girdle muscular dystrophy, type 2J; MUSCULAR DYSTROPHY, LIMB-GIRDLE, AUTOSOMAL RECESSIVE 10. Identifiers: Orphanet 140922, MedGen C1837342, MONDO:0012127, OMIM 608807.
Myopathy, myofibrillar, 9, with early respiratory failure (MFM9). Also called: Hereditary myopathy with early respiratory failure; Myopathy, distal, with early respiratory failure, autosomal dominant; EDSTROM MYOPATHY; MYOPATHY, PROXIMAL, WITH EARLY RESPIRATORY MUSCLE INVOLVEMENT. Identifiers: Orphanet 178464, Orphanet 34521, MedGen C1863599, MONDO:0011362, OMIM 603689.
Tibial muscular dystrophy (TMD). Also called: Udd Distal Myopathy – Tibial Muscular Dystrophy; Tibial muscular dystrophy, tardive; UDD MYOPATHY. Identifiers: Orphanet 609, MedGen C1838244, MONDO:0010870, OMIM 600334.
Early-onset myopathy with fatal cardiomyopathy (CMYO5). Also called: Salih Myopathy; CONGENITAL MYOPATHY 5 WITH CARDIOMYOPATHY. Identifiers: Orphanet 289377, MedGen C2673677, MONDO:0012714, OMIM 611705. Disease mechanism: loss of function.
Hypertrophic cardiomyopathy 9. Also called: Familial hypertrophic cardiomyopathy 9. Identifiers: MedGen C1861065, MONDO:0013412, OMIM 613765.

Allele frequency attached by ClinVar (database versions not stated): gnomAD 0.00004; gnomAD exomes 0.00004; TOPMed 0.00005; ExAC 0.00006; ESP Exome Variant Server 0.00008; 1000 Genomes Project 30x 0.00016; 1000 Genomes Project 0.00020.
gnomAD v4.1: 55 of 1,613,606 alleles (0.0034%); highest among the groups gnomAD compares: South Asian, 0.0088%; no homozygotes.

Submissions (10):

PreventionGenetics, part of Exact Sciences
Classification: Uncertain significance for TTN-related condition. Last evaluated: 2026-06-16. Review status: criteria provided, single submitter. Criteria: ACMG Guidelines, 2015. Collection method: clinical testing. Allele origin: germline.
Comment: The TTN c.96140C>T variant is predicted to result in the amino acid substitution p.Thr32047Met. This variant has been reported in an individual with left ventricular noncompaction cardiomyopathy (Table S2, Mazzarotto et al. 2021. PubMed ID: 33500567). This variant is reported in 0.0098% of alleles in individuals of South Asian descent in gnomAD. At this time, the clinical significance of this variant is uncertain due to the absence of conclusive functional and genetic evidence.

ARUP Laboratories, Molecular Genetics and Genomics, ARUP Laboratories
Classification: Uncertain significance. Last evaluated: 2024-06-12. Review status: criteria provided, single submitter. Criteria: ARUP Molecular Germline Variant Investigation Process 2024. Collection method: clinical testing. Allele origin: germline.
Comment: The TTN c.96140C>T; p.Thr32047Met variant (rs375640847; ClinVar Variation ID: 47564) is rare in the general population (<0.2% allele frequency in the Genome Aggregation Database). This variant is reported in the literature in an individual with left ventricular noncompaction (Mazzarotto 2021). The clinical relevance of rare missense variants in this gene, which are identified on average once per individual sequenced in affected populations (Herman 2012), is not well understood. Yet, evidence suggests that the vast majority of such missense variants do not contribute to the clinical outcome of DCM (Begay 2015). Thus, the clinical significance of the p.Thr32047Met variant cannot be determined with certainty. References: Begay RL et al. Role of Titin Missense Variants in Dilated Cardiomyopathy. J Am Heart Assoc. 2015 Nov 13;4(11). PMID: 26567375. Herman DS et al. Truncations of titin causing dilated cardiomyopathy. N Engl J Med. 2012 Feb 16;366(7):619-28. PMID: 22335739. Linke WA and Hamdani N. Gigantic business: titin properties and function through thick and thin. Circ Res 2014; 114(6): 1052-1068. PMID: 24625729. Mazzarotto F et al. Systematic large-scale assessment of the genetic architecture of left ventricular noncompaction reveals diverse etiologies. Genet Med. 2021 May;23(5):856-864. PMID: 33500567.

Blueprint Genetics
Classification: Uncertain significance. Last evaluated: 2024-03-08. Review status: criteria provided, single submitter. Criteria: ACMG Guidelines, 2015. Collection method: clinical testing. Allele origin: germline.

Revvity Omics, Revvity
Classification: Uncertain significance. Last evaluated: 2023-02-15. Review status: criteria provided, single submitter. Criteria: ACMG Guidelines, 2015. Collection method: clinical testing. Allele origin: germline.

CeGaT Center for Human Genetics Tuebingen
Classification: Uncertain significance. Last evaluated: 2019-03-01. Review status: criteria provided, single submitter. Criteria: CeGaT Center For Human Genetics Tuebingen Variant Classification Criteria Version 2. Collection method: clinical testing. Allele origin: germline. Affected: yes. Observed: 1 variant allele.

Fulgent Genetics
Classification: Uncertain significance for Tibial muscular dystrophy; Myopathy, myofibrillar, 9, with early respiratory failure; Dilated cardiomyopathy 1G; Autosomal recessive limb-girdle muscular dystrophy type 2J; Early-onset myopathy with fatal cardiomyopathy; Hypertrophic cardiomyopathy 9. Last evaluated: 2018-10-31. Review status: criteria provided, single submitter. Criteria: ACMG Guidelines, 2015. Collection method: clinical testing. Allele origin: unknown.

GeneDx
Classification: Likely benign. Last evaluated: 2018-04-05. Review status: criteria provided, single submitter. Criteria: GeneDx Variant Classification Process June 2021. Collection method: clinical testing. Allele origin: germline. Affected: yes.

Labcorp Genetics (formerly Invitae), Labcorp
Classification: Uncertain significance for Dilated cardiomyopathy 1G; Autosomal recessive limb-girdle muscular dystrophy type 2J. Last evaluated: 2017-12-20. Review status: criteria provided, single submitter. Criteria: Invitae Variant Classification Sherloc (09022015). Collection method: clinical testing. Allele origin: germline.

Eurofins Ntd Llc (ga)
Classification: Uncertain significance. Last evaluated: 2015-07-28. Review status: criteria provided, single submitter. Criteria: EGL Classification Definitions 2015. Collection method: clinical testing. Allele origin: germline. Observed: 2 variant alleles, 2 heterozygotes.

Laboratory for Molecular Medicine, Mass General Brigham Personalized Medicine
Classification: Uncertain significance. Last evaluated: 2015-02-20. Review status: criteria provided, single submitter. Criteria: LMM Criteria. Collection method: clinical testing. Allele origin: germline. Observed: 2 variant alleles.
Comment: This variant has also been identified in 4/6672 4 European chromosomes by the Exome Aggregation Consortium (ExAC; dbSNP rs375640847). Computational prediction tools and conserv ation analysis do not provide strong support for or against an impact to the pro tein. In summary, the clinical significance of the p.Thr29479Met variant is unce rtain.

NM_001267550.2(TTN):c.96140C>T (p.Thr32047Met)

Genes: TTN (titin; minus strand), TTN-AS1 (TTN antisense RNA 1; plus strand), LOC126806421 (CDK7 strongly-dependent group 2 enhancer GRCh37_chr2:179407630-179408829; plus strand). Cytogenetic location: 2q31.2.
Variant type: single nucleotide variant.
Coding change: c.96140C>T on transcript NM_001267550.2 (MANE Select); coding-DNA position 96140, C replaced by T.
Protein change: p.Thr32047Met; replaces threonine 32047 with methionine.
Molecular consequence: missense variant.
Genome position (GRCh38, 1-based): chr2:178,544,004, G>A on the plus strand (C>T on the coding strand, the complement: TTN is on the minus strand). VCF-style: chr2-178544004-G-A. GRCh37 (hg19) VCF-style: chr2-179408731-G-A.
Other names: p.T30406M:ACG>ATG; c.91217C>T, p.Thr30406Met (NM_001256850.1); c.88436C>T, p.Thr29479Met (NM_133378.4); c.68945C>T, p.Thr22982Met (NM_003319.4); c.69320C>T, p.Thr23107Met (NM_133432.3); c.69521C>T, p.Thr23174Met (NM_133437.4); short protein forms T32047M, T29479M, T30406M, T22982M, T23107M, T23174M.
Identifiers: ClinVar variation 47564 (VCV000047564.60), dbSNP rs375640847, ClinGen allele CA141358.
Genomic context (GRCh38, chr2:178,544,004, plus strand): 5'-TAGCTCTCAGTGGTGTCAATAATTGCCCGGCTTGCAAGGTCAATGCCCTGCTTGCTCCAC[G>A]TTATGACAGGAGGTGGTCTTCCAGATACAGACACCATCAAGCGCAAGGAGGCCCCAGCCC-3'
Protein context (NP_001254479.2, residues 32037-32057): SVSGRPPPVI[Thr32047Met]WSKQGIDLAS